The following is an entry in ClinVar:

NM_182914.3(SYNE2):c.19684C>G (p.Gln6562Glu)

Gene: SYNE2 (spectrin repeat containing nuclear envelope protein 2; plus strand). Cytogenetic location: 14q23.2.
Variant type: single nucleotide variant.
Coding change: c.19684C>G on transcript NM_182914.3 (MANE Select); coding-DNA position 19684, C replaced by G.
Protein change: p.Gln6562Glu; replaces glutamine 6562 with glutamic acid.
Molecular consequence: missense variant.
Genome position (GRCh38, 1-based): chr14:64,219,234, C>G. VCF-style: chr14-64219234-C-G. GRCh37 (hg19) VCF-style: chr14-64685952-C-G.
Other names: c.19615C>G, p.Gln6539Glu (NM_015180.6); c.208C>G, p.Gln70Glu (NM_182910.2); c.586C>G, p.Gln196Glu (NM_182913.4); short protein forms Q196E, Q70E, Q6539E, Q6562E.
Identifiers: ClinVar variation 3714970 (VCV003714970.2).
Genomic context (GRCh38, chr14:64,219,234, plus strand): 5'-TTGCTTTTTTTAATTGGCGATTTTTTAATTCCAGGTGCCTTCGACAGATGGGAGATGATT[C>G]AAGCACAGGAGCTTCACAATAAGCTCAAAATAAAACAAAATTTGCAACAGCTGAACTCTG-3'
Protein context (NP_878918.2, residues 6552-6572): SGAFDRWEMI[Gln6562Glu]AQELHNKLKI

ClinVar aggregate classification (germline): Uncertain significance (1 of 4 stars; one submission).

Conditions:
Emery-Dreifuss muscular dystrophy 5, autosomal dominant (EDMD5). Also called: EMERY-DREIFUSS MUSCULAR DYSTROPHY 5. Identifiers: Orphanet 261, MedGen C2751805, MONDO:0013072, OMIM 612999.

gnomAD v4.1: 5 of 1,603,750 alleles (0.00031%); highest among the groups gnomAD compares: African/African-American, 0.0041%; no homozygotes.

Submission:

Labcorp Genetics (formerly Invitae), Labcorp
Classification: Uncertain significance for Emery-Dreifuss muscular dystrophy 5, autosomal dominant. Last evaluated: 2024-11-04. Review status: criteria provided, single submitter. Criteria: Invitae Variant Classification Sherloc (09022015). Collection method: clinical testing. Allele origin: germline.
Comment: This sequence change replaces glutamine, which is neutral and polar, with glutamic acid, which is acidic and polar, at codon 6562 of the SYNE2 protein (p.Gln6562Glu). This variant is present in population databases (rs766811992, gnomAD 0.007%). This variant has not been reported in the literature in individuals affected with SYNE2-related conditions. An algorithm developed to predict the effect of missense changes on protein structure and function (PolyPhen-2) suggests that this variant is likely to be disruptive. In summary, the available evidence is currently insufficient to determine the role of this variant in disease. Therefore, it has been classified as a Variant of Uncertain Significance.